The following is an entry in ClinVar:

ClinVar aggregate classification (germline): Uncertain significance (1 of 4 stars; one submission).

Conditions:
PLXNA1-related disorder. Also called: PLXNA1-related condition.

gnomAD v4.1: 12 of 1,613,260 alleles (0.00074%); highest among the groups gnomAD compares: Non-Finnish European, 0.001%; no homozygotes.

Submission:

PreventionGenetics, part of Exact Sciences
Classification: Uncertain significance for PLXNA1-related condition. Last evaluated: 2025-09-29. Review status: criteria provided, single submitter. Criteria: ACMG Guidelines, 2015. Collection method: clinical testing. Allele origin: germline.
Comment: The PLXNA1 c.4129G>A variant is predicted to result in the amino acid substitution p.Ala1377Thr. To our knowledge, this variant has not been reported in the literature. This variant is reported in 0.0018% of alleles in individuals of European (Non-Finnish) descent in gnomAD. At this time, the clinical significance of this variant is uncertain due to the absence of conclusive functional and genetic evidence.

NM_032242.4(PLXNA1):c.4129G>A (p.Ala1377Thr)

Gene: PLXNA1 (plexin A1; plus strand). Cytogenetic location: 3q21.3.
Variant type: single nucleotide variant.
Coding change: c.4129G>A on transcript NM_032242.4 (MANE Select); coding-DNA position 4129, G replaced by A.
Protein change: p.Ala1377Thr; replaces alanine 1377 with threonine.
Molecular consequence: missense variant.
Genome position (GRCh38, 1-based): chr3:127,022,175, G>A. VCF-style: chr3-127022175-G-A. GRCh37 (hg19) VCF-style: chr3-126741018-G-A.
Other names: short protein forms A1377T.
Identifiers: ClinVar variation 4986135 (VCV004986135.1).
Genomic context (GRCh38, chr3:127,022,175, plus strand): 5'-CTGTTCGGGCAGCTGCTGACCAAGAAGCACTTCCTGCTGACCTTCATCCGCACGCTGGAG[G>A]CACAGCGCAGCTTCTCCATGCGCGACCGCGGGAATGTGGCCTCGCTCATCATGACGGCCC-3'
Protein context (NP_115618.3, residues 1367-1387): FLLTFIRTLE[Ala1377Thr]QRSFSMRDRG